The following is an entry in ClinVar:

ClinVar aggregate classification (germline): Uncertain significance (1 of 4 stars; one submission).

gnomAD v4.1: 13 of 1,611,924 alleles (0.00081%); highest among the groups gnomAD compares: Non-Finnish European, 0.001%; no homozygotes.

Submission:

Labcorp Genetics (formerly Invitae), Labcorp
Classification: Uncertain significance. Last evaluated: 2024-11-25. Review status: criteria provided, single submitter. Criteria: Invitae Variant Classification Sherloc (09022015). Collection method: clinical testing. Allele origin: germline.
Comment: This sequence change affects codon 1189 of the FOCAD mRNA. It is a 'silent' change, meaning that it does not change the encoded amino acid sequence of the FOCAD protein. The frequency data for this variant in the population databases is considered unreliable, as metrics indicate poor data quality at this position in the gnomAD database. This variant has not been reported in the literature in individuals affected with FOCAD-related conditions. Experimental studies and prediction algorithms are not available or were not evaluated, and the effect of this variant on mRNA splicing is currently unknown. In summary, the available evidence is currently insufficient to determine the role of this variant in disease. Therefore, it has been classified as a Variant of Uncertain Significance.

NM_001375567.1(FOCAD):c.3567C>T (p.Tyr1189=)

Gene: FOCAD (focadhesin; plus strand). Cytogenetic location: 9p21.3.
Variant type: single nucleotide variant.
Coding change: c.3567C>T on transcript NM_001375567.1 (MANE Select); coding-DNA position 3567, C replaced by T.
Protein change: p.Tyr1189=; no amino-acid change (tyrosine 1189 retained).
Molecular consequence: synonymous variant.
Genome position (GRCh38, 1-based): chr9:20,946,712, C>T. VCF-style: chr9-20946712-C-T. GRCh37 (hg19) VCF-style: chr9-20946711-C-T.
Other names: c.3462C>T, p.Tyr1154= (NM_001375568.1, NM_001375570.1); c.3567C>T, p.Tyr1189= (NM_017794.5).
Identifiers: ClinVar variation 3728630 (VCV003728630.2).